The following is an entry in ClinVar:

NM_001267550.2(TTN):c.45748A>T (p.Ser15250Cys)

Gene: TTN (titin; minus strand). Cytogenetic location: 2q31.2.
Variant type: single nucleotide variant.
Coding change: c.45748A>T on transcript NM_001267550.2 (MANE Select); coding-DNA position 45748, A replaced by T.
Protein change: p.Ser15250Cys; replaces serine 15250 with cysteine.
Molecular consequence: missense variant.
Genome position (GRCh38, 1-based): chr2:178,620,862, T>A on the plus strand (A>T on the coding strand, the complement: TTN is on the minus strand). VCF-style: chr2-178620862-T-A. GRCh37 (hg19) VCF-style: chr2-179485589-T-A.
Other names: c.40825A>T, p.Ser13609Cys (NM_001256850.1); c.18553A>T, p.Ser6185Cys (NM_003319.4); c.38044A>T, p.Ser12682Cys (NM_133378.4); c.18928A>T, p.Ser6310Cys (NM_133432.3); c.19129A>T, p.Ser6377Cys (NM_133437.4); short protein forms S12682C, S15250C, S13609C, S6377C, S6185C, S6310C.
Identifiers: ClinVar variation 263564 (VCV000263564.7), dbSNP rs776190494, ClinGen allele CA1995376.
Genomic context (GRCh38, chr2:178,620,862, plus strand): 5'-GTGCATCTCTAATTCTGAGGGTGTAGACTAGGTCTTTTTGGAGAATGATGTATTTTGAAC[T>A]ATCAAATATAGCTTCTTCATTTCTGAACCATTTGGCTTTGGCACCTTCAGTATTGACTTC-3'
Protein context (NP_001254479.2, residues 15240-15260): WFRNEEAIFD[Ser15250Cys]SKYIILQKDL

ClinVar aggregate classification (germline): Conflicting classifications of pathogenicity. Review status: criteria provided, conflicting classifications (1 of 4 stars). 2 submissions from 2 submitters: Uncertain significance (1); Likely benign (1). Last evaluated 2020-03-24.

Conditions:
Cardiovascular phenotype. Identifiers: MedGen CN230736.

Allele frequency attached by ClinVar (database versions not stated): gnomAD below 0.00001 and 0.00001; TOPMed below 0.00001; ExAC 0.00006; gnomAD exomes 0.00008.
gnomAD v4.1: 65 of 1,612,548 alleles (0.004%); highest among the groups gnomAD compares: South Asian, 0.069%; 1 homozygote.

Submissions (2):

Ambry Genetics
Classification: Likely benign for Cardiovascular phenotype. Last evaluated: 2020-03-24. Review status: criteria provided, single submitter. Criteria: Ambry Autosomal Dominant and X-Linked criteria (2/2020). Collection method: clinical testing. Allele origin: germline. Observed: 1 variant allele.
Comment: In silico models in agreement (benign);Subpopulation frequency in support of benign classification

Eurofins Ntd Llc (ga)
Classification: Uncertain significance. Last evaluated: 2015-09-22. Review status: criteria provided, single submitter. Criteria: EGL Classification Definitions 2015. Collection method: clinical testing. Allele origin: germline. Observed: 1 variant allele, 1 heterozygote.